The following is an entry in ClinVar:

ClinVar aggregate classification (germline): Likely benign. Review status: criteria provided, multiple submitters, no conflicts (2 of 4 stars). 2 submissions from 2 submitters: Likely benign (2). Last evaluated 2025-02-26.

Conditions:
Combined oxidative phosphorylation defect type 27. Also called: Combined oxidative phosphorylation deficiency 27. Identifiers: Orphanet 477774, MedGen C5567608, MONDO:0014728, OMIM 616672.

Allele frequency attached by ClinVar (database versions not stated): gnomAD exomes 0.00003 and 0.00006; ExAC 0.00005; gnomAD 0.00005; TOPMed 0.00005.
gnomAD v4.1: 102 of 1,550,246 alleles (0.0066%); highest among the groups gnomAD compares: Non-Finnish European, 0.0079%; no homozygotes.

Submissions (2):

Labcorp Genetics (formerly Invitae), Labcorp
Classification: Likely benign for Combined oxidative phosphorylation defect type 27. Last evaluated: 2025-02-26. Review status: criteria provided, single submitter. Criteria: Invitae Variant Classification Sherloc (09022015). Collection method: clinical testing. Allele origin: germline.

GeneDx
Classification: Likely benign. Last evaluated: 2016-10-13. Review status: criteria provided, single submitter. Criteria: GeneDx Variant Classification (06012015). Collection method: clinical testing. Allele origin: germline. Affected: yes.
Comment: This variant is considered likely benign or benign based on one or more of the following criteria: it is a conservative change, it occurs at a poorly conserved position in the protein, it is predicted to be benign by multiple in silico algorithms, and/or has population frequency not consistent with disease.

NM_024537.4(CARS2):c.1608C>T (p.His536=)

Gene: CARS2 (cysteinyl-tRNA synthetase 2, mitochondrial; minus strand). Cytogenetic location: 13q34.
Variant type: single nucleotide variant.
Coding change: c.1608C>T on transcript NM_024537.4 (MANE Select); coding-DNA position 1608, C replaced by T.
Protein change: p.His536=; no amino-acid change (histidine 536 retained).
Molecular consequence: synonymous variant. On other transcripts: non-coding transcript variant (2).
Genome position (GRCh38, 1-based): chr13:110,642,330, G>A on the plus strand (C>T on the coding strand, the complement: CARS2 is on the minus strand). VCF-style: chr13-110642330-G-A. GRCh37 (hg19) VCF-style: chr13-111294677-G-A.
Other names: c.822C>T, p.His274= (NM_001352252.2).
Identifiers: ClinVar variation 389725 (VCV000389725.8), dbSNP rs748996703, ClinGen allele CA7051594.